The following is an entry in ClinVar:

ClinVar aggregate classification (germline): Uncertain significance (1 of 4 stars; one submission).

Conditions:
CHARGE syndrome (CHARGE). Also called: Hittner Hirsch Kreh syndrome; CHARGE ASSOCIATION--COLOBOMA, HEART ANOMALY, CHOANAL ATRESIA, RETARDATION, GENITAL AND EAR ANOMALIES; Coloboma, heart anomaly, choanal atresia, retardation, genital and ear anomalies; CHARGE association; Hall-Hittner syndrome. Identifiers: Orphanet 138, MedGen C0265354, MONDO:0008965.

Submission:

Labcorp Genetics (formerly Invitae), Labcorp
Classification: Uncertain significance for CHARGE syndrome. Last evaluated: 2022-08-31. Review status: criteria provided, single submitter. Criteria: Invitae Variant Classification Sherloc (09022015). Collection method: clinical testing. Allele origin: germline.
Comment: This variant has not been reported in the literature in individuals affected with CHD7-related conditions. This variant is not present in population databases (gnomAD no frequency). This sequence change replaces lysine, which is basic and polar, with asparagine, which is neutral and polar, at codon 2201 of the CHD7 protein (p.Lys2201Asn). Advanced modeling of protein sequence and biophysical properties (such as structural, functional, and spatial information, amino acid conservation, physicochemical variation, residue mobility, and thermodynamic stability) performed at Invitae indicates that this missense variant is not expected to disrupt CHD7 protein function. In summary, the available evidence is currently insufficient to determine the role of this variant in disease. Therefore, it has been classified as a Variant of Uncertain Significance.

NM_017780.4(CHD7):c.6603G>C (p.Lys2201Asn)

Gene: CHD7 (chromodomain helicase DNA binding protein 7; plus strand). Cytogenetic location: 8q12.2.
Variant type: single nucleotide variant.
Coding change: c.6603G>C on transcript NM_017780.4 (MANE Select); coding-DNA position 6603, G replaced by C.
Protein change: p.Lys2201Asn; replaces lysine 2201 with asparagine.
Molecular consequence: missense variant. On other transcripts: intron variant (1).
Genome position (GRCh38, 1-based): chr8:60,853,328, G>C. VCF-style: chr8-60853328-G-C. GRCh37 (hg19) VCF-style: chr8-61765887-G-C.
Other names: c.1717-8901G>C (NM_001316690.1); short protein forms K2201N.
Identifiers: ClinVar variation 1718519 (VCV001718519.5), dbSNP rs1586446721, ClinGen allele CA371325888.